The following is an entry in ClinVar:

ClinVar aggregate classification (germline): Pathogenic (1 of 4 stars; one submission).

Conditions:
Breast-ovarian cancer, familial, susceptibility to, 1 (BROVCA1). Also called: BRCA1 Hereditary Breast and Ovarian Cancer; OVARIAN CANCER, SUSCEPTIBILITY TO. Identifiers: Orphanet 145, MedGen C2676676, MONDO:0011450, OMIM 604370. Disease mechanism: loss of function.

Submission:

Myriad Genetics, Inc.
Classification: Pathogenic for Breast-ovarian cancer, familial, susceptibility to, 1. Last evaluated: 2024-10-08. Review status: criteria provided, single submitter. Criteria: Myriad Autosomal Dominant, Autosomal Recessive and X-Linked Classification Criteria (2023). Collection method: clinical testing. Allele origin: unknown.
Comment: This variant is considered pathogenic. This variant creates a frameshift predicted to result in premature protein truncation.

NM_007294.4(BRCA1):c.864_867del (p.Ser289fs)

Gene: BRCA1 (BRCA1 DNA repair associated; minus strand). Cytogenetic location: 17q21.31.
Variant type: Deletion.
Coding change: c.864_867del on transcript NM_007294.4 (MANE Select); coding-DNA positions 864 to 867, 4 bases deleted (CAGT; older notation c.864_867delCAGT).
Protein change: p.Ser289fs; shifts the reading frame from serine 289.
Molecular consequence: frameshift variant. On other transcripts: intron variant (137), 5 prime UTR variant (2).
Genome position (GRCh38, 1-based): chr17:43,094,664-43,094,667, ACTG deleted on the plus strand (CAGT on the coding strand, the reverse complement: BRCA1 is on the minus strand). VCF-style (leftmost placement, unchanged base first): chr17-43094663-AACTG-A. GRCh37 (hg19) VCF-style: chr17-41246680-AACTG-A.
Other names: c.784+77_784+80del (NM_001408398.1, NM_001407992.1, NM_001408400.1 and 13 more transcripts); c.664+77_664+80del (NM_001408440.1, NM_001408428.1, NM_001408441.1 and 12 more transcripts); c.670+1179_670+1182del (NM_001408418.1, NM_001408423.1, NM_001408420.1 and 2 more transcripts); c.787+77_787+80del (NM_001407981.1, NM_007298.4, NM_001407978.1 and 19 more transcripts); c.643+77_643+80del (NM_001408462.1, NM_001408468.1, NM_001408464.1 and 3 more transcripts); c.709+77_709+80del (NM_001408414.1, NM_001408411.1, NM_001408415.1 and 2 more transcripts); c.577+77_577+80del (NM_001408514.1, NM_001408485.1, NM_001408483.1 and 9 more transcripts); c.661+77_661+80del (NM_001408447.1, NM_001408433.1, NM_001408446.1 and 6 more transcripts); and 40 more; short protein forms S121fs, S161fs, S162fs, S177fs, S178fs, S200fs, S201fs, S218fs.
Identifiers: ClinVar variation 3773500 (VCV003773500.1).
Genomic context (GRCh38, chr17:43,094,663, plus strand): 5'-GTTTGCTTTTATTACAGAATTCAGCCTTTTCTACATTCATTCTGTCTTTAGTGAGTAATA[AACTG>A]CTGTTCTCATGCTGTAATGAGCTGGCATGAGTATTTGTGCCACATGGCTCCACATGCAAG-3'